The following is an entry in ClinVar:

ClinVar aggregate classification (germline): Uncertain significance (1 of 4 stars; one submission).

Conditions:
LAMA5-related disorder. Also called: LAMA5-related condition; LAMA5-Related Disorders.

Allele frequency attached by ClinVar (database versions not stated): ExAC 0.00001; gnomAD 0.00001; gnomAD exomes 0.00001; TOPMed 0.00002.
gnomAD v4.1: 18 of 1,589,794 alleles (0.0011%); highest among the groups gnomAD compares: Middle Eastern, 0.022%; no homozygotes.

Submission:

PreventionGenetics, part of Exact Sciences
Classification: Uncertain significance for LAMA5-related condition. Last evaluated: 2023-05-17. Review status: criteria provided, single submitter. Criteria: ACMG Guidelines, 2015. Collection method: clinical testing. Allele origin: germline.
Comment: The LAMA5 c.11033C>G variant is predicted to result in the amino acid substitution p.Thr3678Ser. To our knowledge, this variant has not been reported in the literature. This variant is reported in 0.011% of alleles in individuals of South Asian descent in gnomAD. At this time, the clinical significance of this variant is uncertain due to the absence of conclusive functional and genetic evidence.

NM_005560.6(LAMA5):c.11033C>G (p.Thr3678Ser)

Gene: LAMA5 (laminin subunit alpha 5; minus strand). Cytogenetic location: 20q13.33.
Variant type: single nucleotide variant.
Coding change: c.11033C>G on transcript NM_005560.6 (MANE Select); coding-DNA position 11033, C replaced by G.
Protein change: p.Thr3678Ser; replaces threonine 3678 with serine.
Molecular consequence: missense variant.
Genome position (GRCh38, 1-based): chr20:62,309,391, G>C on the plus strand (C>G on the coding strand, the complement: LAMA5 is on the minus strand). VCF-style: chr20-62309391-G-C. GRCh37 (hg19) VCF-style: chr20-60884447-G-C.
Other names: short protein forms T3678S.
Identifiers: ClinVar variation 2634386 (VCV002634386.1), dbSNP rs541928558, ClinGen allele CA9939473.